The following is an entry in ClinVar:

ClinVar aggregate classification (germline): Uncertain significance (1 of 4 stars; one submission).

Conditions:
Cardiovascular phenotype. Identifiers: MedGen CN230736.

Submission:

Ambry Genetics
Classification: Uncertain significance for Cardiovascular phenotype. Last evaluated: 2025-03-04. Review status: criteria provided, single submitter. Criteria: Ambry Variant Classification Scheme 2023. Collection method: clinical testing. Allele origin: germline.
Comment: The p.G2534D variant (also known as c.7601G>A), located in coding exon 46 of the FLNC gene, results from a G to A substitution at nucleotide position 7601. The glycine at codon 2534 is replaced by aspartic acid, an amino acid with similar properties. This amino acid position is conserved. In addition, this alteration is predicted to be deleterious by in silico analysis. Based on the available evidence, the clinical significance of this variant remains unclear.

NM_001458.5(FLNC):c.7601G>A (p.Gly2534Asp)

Genes: FLNC (filamin C; plus strand), FLNC-AS1 (FLNC antisense RNA 1; minus strand). Cytogenetic location: 7q32.1.
Variant type: single nucleotide variant.
Coding change: c.7601G>A on transcript NM_001458.5 (MANE Select); coding-DNA position 7601, G replaced by A.
Protein change: p.Gly2534Asp; replaces glycine 2534 with aspartic acid.
Molecular consequence: missense variant.
Genome position (GRCh38, 1-based): chr7:128,857,157, G>A. VCF-style: chr7-128857157-G-A. GRCh37 (hg19) VCF-style: chr7-128497211-G-A.
Other names: c.7502G>A, p.Gly2501Asp (NM_001127487.2); short protein forms G2534D, G2501D.
Identifiers: ClinVar variation 3850799 (VCV003850799.1).